The following is an entry in ClinVar:

ClinVar aggregate classification (germline): Pathogenic/Likely pathogenic. Review status: criteria provided, multiple submitters, no conflicts (2 of 4 stars). 2 submissions from 2 submitters: Pathogenic (1); Likely pathogenic (1). Last evaluated 2023-11-27.

Conditions:
CSPP1-related disorder. Also called: CSPP1-related condition.
Joubert syndrome 21 (JBTS21). Identifiers: MedGen C3810212, MONDO:0014288, OMIM 615636.

gnomAD v4.1: 5 of 1,595,076 alleles (0.00031%); highest among the groups gnomAD compares: South Asian, 0.0055%; no homozygotes.

Submissions (2):

Labcorp Genetics (formerly Invitae), Labcorp
Classification: Pathogenic for Joubert syndrome 21. Last evaluated: 2023-11-27. Review status: criteria provided, single submitter. Criteria: Invitae Variant Classification Sherloc (09022015). Collection method: clinical testing. Allele origin: germline.
Comment: This sequence change creates a premature translational stop signal (p.Ser909*) in the CSPP1 gene. It is expected to result in an absent or disrupted protein product. Loss-of-function variants in CSPP1 are known to be pathogenic (PMID: 24360807, 24360808). This variant is present in population databases (rs779579881, gnomAD 0.01%). This variant has not been reported in the literature in individuals affected with CSPP1-related conditions. For these reasons, this variant has been classified as Pathogenic.

Blueprint Genetics
Classification: Likely pathogenic for CSPP1-related disorders. Last evaluated: 2019-06-04. Review status: criteria provided, single submitter. Criteria: ACMG Guidelines, 2015. Collection method: clinical testing. Allele origin: germline. Affected: yes. Observed: 3 variant alleles.

Literature cited by the submitters: PubMed 24360807 (cited by Labcorp Genetics (formerly Invitae), Labcorp); PubMed 24360808 (cited by Labcorp Genetics (formerly Invitae), Labcorp).

NM_001382391.1(CSPP1):c.2741C>G (p.Ser914Ter)

Gene: CSPP1 (centrosome and spindle pole associated protein 1; plus strand). Cytogenetic location: 8q13.2.
Variant type: single nucleotide variant.
Coding change: c.2741C>G on transcript NM_001382391.1 (MANE Select); coding-DNA position 2741, C replaced by G.
Protein change: p.Ser914Ter; replaces serine 914 with a stop codon.
Molecular consequence: nonsense.
Genome position (GRCh38, 1-based): chr8:67,164,421, C>G. VCF-style: chr8-67164421-C-G. GRCh37 (hg19) VCF-style: chr8-68076656-C-G.
Other names: c.1691C>G, p.Ser564Ter (NM_001291339.2); c.2660C>G, p.Ser887Ter (NM_001363131.2); c.2546C>G, p.Ser849Ter (NM_001363132.2); c.2465C>G, p.Ser822Ter (NM_001363133.2); c.2807C>G, p.Ser936Ter (NM_001364869.1); c.2627C>G, p.Ser876Ter (NM_001364870.1); c.2726C>G, p.Ser909Ter (NM_024790.7); short protein forms S564*, S876*, S909*, S914*, S936*, S849*, S822*, S887*.
Identifiers: ClinVar variation 3007208 (VCV003007208.4), dbSNP rs779579881, ClinGen allele CA4770933.